The following is an entry in ClinVar:

NM_004656.4(BAP1):c.1678G>T (p.Gly560Cys)

Gene: BAP1 (BRCA1 associated deubiquitinase 1; minus strand). Cytogenetic location: 3p21.1.
Variant type: single nucleotide variant.
Coding change: c.1678G>T on transcript NM_004656.4 (MANE Select); coding-DNA position 1678, G replaced by T.
Protein change: p.Gly560Cys; replaces glycine 560 with cysteine.
Molecular consequence: missense variant.
Genome position (GRCh38, 1-based): chr3:52,403,467, C>A on the plus strand (G>T on the coding strand, the complement: BAP1 is on the minus strand). VCF-style: chr3-52403467-C-A. GRCh37 (hg19) VCF-style: chr3-52437483-C-A.
Other names: c.1624G>T, p.Gly542Cys (NM_001410772.1); short protein forms G542C, G560C.
Identifiers: ClinVar variation 4780761 (VCV004780761.1).
Genomic context (GRCh38, chr3:52,403,467, plus strand): 5'-AAGGCCCACCTGTCAGCGCCAGGGGACTCAGCACCCCATCCTCAGCCAGGTGCAGCAGGC[C>A]TGTGCTGATGACAGGACCCAGATCACGGACAGCACGGTTGTAGCGTATGCAGTCAACACG-3'
Protein context (NP_004647.1, residues 550-570): VRDLGPVIST[Gly560Cys]LLHLAEDGVL

ClinVar aggregate classification (germline): Uncertain significance (1 of 4 stars; one submission).

Conditions:
BAP1-related tumor predisposition syndrome (TPDS1). Also called: COMMON Syndrome; TUMOR PREDISPOSITION SYNDROME 1; BAP1 tumor predisposition syndrome; Tumor susceptibility linked to germline BAP1 mutations. Identifiers: Orphanet 289539, MedGen C3280492, MONDO:0013692, OMIM 614327.

Submission:

Labcorp Genetics (formerly Invitae), Labcorp
Classification: Uncertain significance for BAP1-related tumor predisposition syndrome. Last evaluated: 2026-01-04. Review status: criteria provided, single submitter. Criteria: Invitae Variant Classification Sherloc (09022015). Collection method: clinical testing. Allele origin: germline.
Comment: This sequence change replaces glycine, which is neutral and non-polar, with cysteine, which is neutral and slightly polar, at codon 560 of the BAP1 protein (p.Gly560Cys). This variant is not present in population databases (gnomAD no frequency). This variant has not been reported in the literature in individuals affected with BAP1-related conditions. Invitae Evidence Modeling of protein sequence and biophysical properties (such as structural, functional, and spatial information, amino acid conservation, physicochemical variation, residue mobility, and thermodynamic stability) indicates that this missense variant is not expected to disrupt BAP1 protein function with a negative predictive value of 80%. In summary, the available evidence is currently insufficient to determine the role of this variant in disease. Therefore, it has been classified as a Variant of Uncertain Significance.